The following is an entry in ClinVar:

NM_033380.3(COL4A5):c.4060G>A (p.Gly1354Arg)

Gene: COL4A5 (collagen type IV alpha 5 chain; plus strand). Cytogenetic location: Xq22.3.
Variant type: single nucleotide variant.
Coding change: c.4060G>A on transcript NM_033380.3 (MANE Select); coding-DNA position 4060, G replaced by A.
Protein change: p.Gly1354Arg; replaces glycine 1354 with arginine.
Molecular consequence: missense variant.
Genome position (GRCh38, 1-based): chrX:108,680,929, G>A. VCF-style: chrX-108680929-G-A. GRCh37 (hg19) VCF-style: chrX-107924159-G-A.
Other names: c.4042G>A, p.Gly1348Arg (NM_000495.5); c.4042G>A (NM_000495.4); short protein forms G1354R, G1348R.
Identifiers: ClinVar variation 3597974 (VCV003597974.2).

ClinVar aggregate classification (germline): Likely pathogenic. Review status: criteria provided, multiple submitters, no conflicts (2 of 4 stars). 2 submissions from 2 submitters: Likely pathogenic (2). Last evaluated 2025-09-10.

Conditions:
X-linked Alport syndrome (ATS1). Also called: COL4A5-Related Nephropathy; NEPHROPATHY AND DEAFNESS, X-LINKED. Identifiers: Orphanet 63, Orphanet 88917, MedGen C4746986, MONDO:0010520, OMIM 301050.

Submissions (2):

Natera, Inc.
Classification: Likely pathogenic for X-linked Alport syndrome. Last evaluated: 2025-09-10. Review status: criteria provided, single submitter. Criteria: Natera Variant Classification Schema (03/2026). Collection method: clinical testing. Allele origin: germline.
Comment: The c.4042G>A variant in COL4A5 is a missense variant predicted to cause substitution of glycine to arginine at amino acid 1348. This variant is rare in the general population with a frequency below the threshold expected for the associated phenotype(s). This variant has been observed in affected individual(s) with monoallelic occurrence (heterozygous/hemizygous) (PMID: 25575550). This variant is located in a functionally critical region of the protein. Computational prediction algorithms indicate this variant is likely to affect gene or protein function. Given the available evidence, this variant is classified as Likely Pathogenic.

Fulgent Genetics
Classification: Likely pathogenic for X-linked Alport syndrome. Last evaluated: 2024-04-10. Review status: criteria provided, single submitter. Criteria: ACMG Guidelines, 2015. Collection method: clinical testing. Allele origin: germline.

Literature cited by the submitters: PubMed 25575550 (cited by Natera, Inc.).